The following is an entry in ClinVar:

NM_000388.4(CASR):c.1114A>C (p.Thr372Pro)

Gene: CASR (calcium sensing receptor; plus strand). Cytogenetic location: 3q21.1.
Variant type: single nucleotide variant.
Coding change: c.1114A>C on transcript NM_000388.4 (MANE Select); coding-DNA position 1114, A replaced by C.
Protein change: p.Thr372Pro; replaces threonine 372 with proline.
Molecular consequence: missense variant.
Genome position (GRCh38, 1-based): chr3:122,262,149, A>C. VCF-style: chr3-122262149-A-C. GRCh37 (hg19) VCF-style: chr3-121980996-A-C.
Other names: c.1114A>C, p.Thr372Pro (NM_001178065.2); short protein forms T372P.
Identifiers: ClinVar variation 964845 (VCV000964845.11), dbSNP rs571007208, ClinGen allele CA354152617.

ClinVar aggregate classification (germline): Uncertain significance. Review status: criteria provided, multiple submitters, no conflicts (2 of 4 stars). 2 submissions from 2 submitters: Uncertain significance (2). Last evaluated 2023-11-27.

Conditions:
Nephrolithiasis/nephrocalcinosis. Identifiers: MedGen CN580796.
Autosomal dominant hypocalcemia 1 (HYPOC1). Also called: HYPOCALCEMIA, FAMILIAL. Identifiers: MedGen C3715128, MONDO:0011013, OMIM 601198.
Familial hypocalciuric hypercalcemia (FHH). Also called: Familial benign hypercalcemia. Identifiers: Orphanet 405, MedGen C1809471, MONDO:0018458.

gnomAD v4.1: 1 of 1,614,190 alleles (0.000062%); highest among the groups gnomAD compares: Non-Finnish European, 0.000085%; no homozygotes.

Submissions (2):

Ambry Genetics
Classification: Uncertain significance for Nephrolithiasis/nephrocalcinosis. Last evaluated: 2023-11-27. Review status: criteria provided, single submitter. Criteria: Ambry Variant Classification Scheme 2023. Collection method: clinical testing. Allele origin: germline.
Comment: The p.T372P variant (also known as c.1114A>C), located in coding exon 3 of the CASR gene, results from an A to C substitution at nucleotide position 1114. The threonine at codon 372 is replaced by proline, an amino acid with highly similar properties. This amino acid position is not well conserved in available vertebrate species. In addition, this alteration is predicted to be tolerated by in silico analysis. Since supporting evidence is limited at this time, the clinical significance of this alteration remains unclear.

Labcorp Genetics (formerly Invitae), Labcorp
Classification: Uncertain significance for Familial hypocalciuric hypercalcemia; Autosomal dominant hypocalcemia 1. Last evaluated: 2021-08-20. Review status: criteria provided, single submitter. Criteria: Invitae Variant Classification Sherloc (09022015). Collection method: clinical testing. Allele origin: germline.
Comment: In summary, the available evidence is currently insufficient to determine the role of this variant in disease. Therefore, it has been classified as a Variant of Uncertain Significance. Algorithms developed to predict the effect of missense changes on protein structure and function output the following: SIFT: "Deleterious"; PolyPhen-2: "Benign"; Align-GVGD: "Class C0". The proline amino acid residue is found in multiple mammalian species, suggesting that this missense change does not adversely affect protein function. These predictions have not been confirmed by published functional studies and their clinical significance is uncertain. This variant has not been reported in the literature in individuals with CASR-related conditions. This variant is not present in population databases (ExAC no frequency). This sequence change replaces threonine with proline at codon 372 of the CASR protein (p.Thr372Pro). The threonine residue is moderately conserved and there is a small physicochemical difference between threonine and proline.